The following is an entry in ClinVar:

ClinVar aggregate classification (germline): Likely pathogenic. Review status: criteria provided, single submitter (1 of 4 stars). 2 submissions from 1 submitter: Likely pathogenic (2).

Conditions:
Nanophthalmos 1 (TMEM98). Also called: MICROPHTHALMOS, SIMPLE, AUTOSOMAL DOMINANT; NANOPHTHALMIA 1; NANOPHTHALMOS WITH HIGH HYPEROPIA AND ANGLE-CLOSURE GLAUCOMA; NANOPHTHALMOS, AUTOSOMAL DOMINANT; NNO1. Identifiers: Orphanet 35612, MedGen C1838502, MONDO:0010836, OMIM 600165.
Encephalitis/encephalopathy, mild, with reversible myelin vacuolization. Also called: ENCEPHALITIS/ENCEPHALOPATHY, MILD, WITH REVERSIBLE SPLENIAL LESION. Identifiers: MedGen C4722446, MONDO:0020853, OMIM 618113.
Cardiac-urogenital syndrome (CUGS). Also called: MYRF-Related Cardiac Urogenital Syndrome. Identifiers: Orphanet 647811, MedGen C4748946, MONDO:0032653, OMIM 618280.

Submissions (2):

Molecular Genetics Department, Kulakov National Medical Research Center for Obstetrics, Gynecology and Perinatology
Classification: Likely pathogenic for Encephalitis/encephalopathy, mild, with reversible myelin vacuolization; Cardiac-urogenital syndrome; Nanophthalmos 1. Review status: criteria provided, single submitter. Criteria: ACMG Guidelines, 2015. Collection method: clinical testing. Allele origin: germline. Affected: yes. Observed: 1 heterozygote.
Comment: A previously undescribed heterozygous nucleotide variant creates a frameshift p.Ser350ProfsTer55 in the MYRF gene. Heterozygous variants are reported in patients with MYRF-Related Disorders (Encephalitis/encephalopathy, mild, with reversible myelin vacuolization, 618113; Cardiac-urogenital syndrome, 618280; Nanophthalmos 1, 600165). The variant is not present in population database (gnomAD no frequency). In summary, the currently available evidence indicates that the variant is pathogenic. Therefore, this variant has been classified as likely pathogenic.

Molecular Genetics Department, Kulakov National Medical Research Center for Obstetrics, Gynecology and Perinatology
Classification: Likely pathogenic for Encephalitis/encephalopathy, mild, with reversible myelin vacuolization. Review status: criteria provided, single submitter. Criteria: ACMG Guidelines, 2015. Collection method: clinical testing. Allele origin: germline. Affected: yes. Observed: 1 variant allele.
Comment: the same text as in the submission from Molecular Genetics Department, Kulakov National Medical Research Center for Obstetrics, Gynecology and Perinatology above.

NM_001127392.3(MYRF):c.1048del (p.Ser350fs)

Gene: MYRF (myelin regulatory factor; plus strand). Cytogenetic location: 11q12.2.
Variant type: Deletion.
Coding change: c.1048del on transcript NM_001127392.3 (MANE Select); coding-DNA position 1048, one base deleted (T; older notation c.1048delT).
Protein change: p.Ser350fs; shifts the reading frame from serine 350.
Molecular consequence: frameshift variant.
Genome position (GRCh38, 1-based): chr11:61,771,885, T deleted. VCF-style (leftmost placement, unchanged base first): chr11-61771884-GT-G. GRCh37 (hg19) VCF-style: chr11-61539356-GT-G.
Other names: c.1021del, p.Ser341fs (NM_013279.4); short protein forms S341fs, S350fs.
Identifiers: ClinVar variation 4540456 (VCV004540456.2).
Genomic context (GRCh38, chr11:61,771,884, plus strand): 5'-TCCAGGCCTCCTGCAGGACAGTGACAGCCTCAGTGGCTCCTACCTGGACCCCAACTACCA[GT>G]CCATCAAGTGGCAGCCTCATCAGCAGAACAAGTGGGCGACCCTGTACGATGCTAACTACA-3'